The following is an entry in ClinVar:

NM_000426.4(LAMA2):c.8297dup (p.Gly2767fs)

Genes: LAMA2 (laminin subunit alpha 2; plus strand), LOC126859784 (CDK7 strongly-dependent group 2 enhancer GRCh37_chr6:129822854-129824053; plus strand). Cytogenetic location: 6q22.33.
Variant type: Duplication.
Coding change: c.8297dup on transcript NM_000426.4 (MANE Select); coding-DNA position 8297, one base duplicated (T; older notation c.8297dupT).
Protein change: p.Gly2767fs; shifts the reading frame from glycine 2767.
Molecular consequence: frameshift variant.
Genome position (GRCh38, 1-based): chr6:129,502,711, T duplicated; the last of 2 consecutive T bases (chr6:129,502,710-129,502,711); duplicating either gives the same sequence. VCF-style (leftmost placement, unchanged base first): chr6-129502709-G-GT. GRCh37 (hg19) VCF-style: chr6-129823854-G-GT.
Other names: c.8285dup, p.Gly2763fs (NM_001079823.2); short protein forms G2763fs, G2767fs.
Identifiers: ClinVar variation 1367602 (VCV001367602.6), dbSNP rs2114888851, ClinGen allele CA2573140490.

ClinVar aggregate classification (germline): Pathogenic (1 of 4 stars; one submission).

Conditions:
LAMA2-related muscular dystrophy (LAMA2-RD). Also called: Laminin alpha 2-related dystrophy. Identifiers: MedGen C5679788, MONDO:0100228.

Submission:

Labcorp Genetics (formerly Invitae), Labcorp
Classification: Pathogenic for LAMA2-related muscular dystrophy. Last evaluated: 2020-12-29. Review status: criteria provided, single submitter. Criteria: Invitae Variant Classification Sherloc (09022015). Collection method: clinical testing. Allele origin: germline.
Comment: This variant has not been reported in the literature in individuals with LAMA2-related conditions. For these reasons, this variant has been classified as Pathogenic. This variant is not present in population databases (ExAC no frequency). This sequence change creates a premature translational stop signal (p.Gly2767Argfs*13) in the LAMA2 gene. It is expected to result in an absent or disrupted protein product. Loss-of-function variants in LAMA2 are known to be pathogenic (PMID: 18700894).

Literature cited by the submitters: PubMed 18700894.